The following is an entry in ClinVar:

ClinVar aggregate classification (germline): Uncertain significance (1 of 4 stars; one submission).

Submission:

Labcorp Genetics (formerly Invitae), Labcorp
Classification: Uncertain significance. Last evaluated: 2024-08-21. Review status: criteria provided, single submitter. Criteria: Invitae Variant Classification Sherloc (09022015). Collection method: clinical testing. Allele origin: germline.
Comment: This sequence change replaces proline, which is neutral and non-polar, with alanine, which is neutral and non-polar, at codon 127 of the SOX10 protein (p.Pro127Ala). This variant is not present in population databases (gnomAD no frequency). This variant has not been reported in the literature in individuals affected with SOX10-related conditions. Invitae Evidence Modeling of protein sequence and biophysical properties (such as structural, functional, and spatial information, amino acid conservation, physicochemical variation, residue mobility, and thermodynamic stability) indicates that this missense variant is expected to disrupt SOX10 protein function with a positive predictive value of 80%. In summary, the available evidence is currently insufficient to determine the role of this variant in disease. Therefore, it has been classified as a Variant of Uncertain Significance.

NM_006941.4(SOX10):c.379C>G (p.Pro127Ala)

Genes: POLR2F (RNA polymerase II, I and III subunit F; plus strand), SOX10 (SRY-box transcription factor 10; minus strand). Cytogenetic location: 22q13.1.
Variant type: single nucleotide variant.
Coding change: c.379C>G on transcript NM_006941.4 (MANE Select); coding-DNA position 379, C replaced by G.
Protein change: p.Pro127Ala; replaces proline 127 with alanine.
Molecular consequence: missense variant. On other transcripts: intron variant (3).
Genome position (GRCh38, 1-based): chr22:37,983,406, G>C on the plus strand (C>G on the coding strand, the complement: SOX10 is on the minus strand). VCF-style: chr22-37983406-G-C. GRCh37 (hg19) VCF-style: chr22-38379413-G-C.
Other names: c.293+16236G>C (NM_001301131.2); c.*38+11096G>C (NM_001363825.1); c.294-2748G>C (NM_001301130.2); short protein forms P127A.
Identifiers: ClinVar variation 3663086 (VCV003663086.2).